The following is an entry in ClinVar:

ClinVar aggregate classification (germline): Uncertain significance. Review status: criteria provided, single submitter (1 of 4 stars). 2 submissions from 2 submitters: Uncertain significance (1). 1 of the submissions does not count toward it. Last evaluated 2025-09-01.

Conditions:
KMT2A-related disorder. Also called: KMT2A-related condition.

Allele frequency attached by ClinVar (database versions not stated): ESP Exome Variant Server 0.00008.
gnomAD v4.1: 159 of 1,613,618 alleles (0.0099%); highest among the groups gnomAD compares: Non-Finnish European, 0.013%; no homozygotes.

Submissions (2):

Labcorp Genetics (formerly Invitae), Labcorp
Classification: Uncertain significance. Last evaluated: 2025-09-01. Review status: criteria provided, single submitter. Criteria: Invitae Variant Classification Sherloc (09022015). Collection method: clinical testing. Allele origin: germline.
Comment: This sequence change replaces arginine, which is basic and polar, with glycine, which is neutral and non-polar, at codon 1658 of the KMT2A protein (p.Arg1658Gly). This variant is present in population databases (rs373435126, gnomAD 0.02%). This variant has not been reported in the literature in individuals affected with KMT2A-related conditions. ClinVar contains an entry for this variant (Variation ID: 1443538). Invitae Evidence Modeling of protein sequence and biophysical properties (such as structural, functional, and spatial information, amino acid conservation, physicochemical variation, residue mobility, and thermodynamic stability) has been performed for this missense variant. However, the output from this modeling did not meet the statistical confidence thresholds required to predict the impact of this variant on KMT2A protein function. In summary, the available evidence is currently insufficient to determine the role of this variant in disease. Therefore, it has been classified as a Variant of Uncertain Significance.

PreventionGenetics, part of Exact Sciences
Classification: Uncertain significance for KMT2A-related condition. Last evaluated: 2024-02-27. Review status: no assertion criteria provided. Collection method: clinical testing. Allele origin: germline. Not counted in ClinVar's aggregate classification.
Comment: The KMT2A c.4972C>G variant is predicted to result in the amino acid substitution p.Arg1658Gly. To our knowledge, this variant has not been reported in the literature. This variant is reported in 0.023% of alleles in individuals of European (Non-Finnish) descent in gnomAD. At this time, the clinical significance of this variant is uncertain due to the absence of conclusive functional and genetic evidence.

NM_001197104.2(KMT2A):c.4972C>G (p.Arg1658Gly)

Gene: KMT2A (lysine methyltransferase 2A; plus strand). Cytogenetic location: 11q23.3.
Variant type: single nucleotide variant.
Coding change: c.4972C>G on transcript NM_001197104.2 (MANE Select); coding-DNA position 4972, C replaced by G.
Protein change: p.Arg1658Gly; replaces arginine 1658 with glycine.
Molecular consequence: missense variant.
Genome position (GRCh38, 1-based): chr11:118,491,896, C>G. VCF-style: chr11-118491896-C-G. GRCh37 (hg19) VCF-style: chr11-118362611-C-G.
Other names: c.4963C>G, p.Arg1655Gly (NM_005933.4); c.4972C>G (NM_001197104.1); short protein forms R1655G, R1658G.
Identifiers: ClinVar variation 1443538 (VCV001443538.8), dbSNP rs373435126, ClinGen allele CA6303977.